The following is an entry in ClinVar:

NM_000048.4(ASL):c.94_100del (p.Arg32fs)

Gene: ASL (argininosuccinate lyase; plus strand). Cytogenetic location: 7q11.21.
Variant type: Deletion.
Coding change: c.94_100del on transcript NM_000048.4 (MANE Select); coding-DNA positions 94 to 100, 7 bases deleted (CGGCACC; older notation c.94_100delCGGCACC).
Protein change: p.Arg32fs; shifts the reading frame from arginine 32.
Molecular consequence: frameshift variant.
Genome position (GRCh38, 1-based): chr7:66,081,884-66,081,890, CGGCACC deleted; deleting any 7 consecutive bases within chr7:66,081,883-66,081,890 gives the same sequence; the c. name uses the placement nearest the transcript's 3' end. VCF-style (leftmost placement, unchanged base first): chr7-66081882-ACCGGCAC-A. GRCh37 (hg19) VCF-style: chr7-65546869-ACCGGCAC-A.
Other names: c.94_100del, p.Arg32fs (NM_001024943.2, NM_001024944.2, NM_001024946.2); short protein forms R32fs.
Identifiers: ClinVar variation 459923 (VCV000459923.6), dbSNP rs1554326263, ClinGen allele CA658657673.

ClinVar aggregate classification (germline): Pathogenic (1 of 4 stars; one submission).

Conditions:
Argininosuccinate lyase deficiency. Also called: Argininosuccinic aciduria; ARGININOSUCCINIC ACID LYASE DEFICIENCY; ASL DEFICIENCY. Identifiers: Orphanet 23, MedGen C0268547, MONDO:0008815, OMIM 207900, HP:0025630.

Submission:

Labcorp Genetics (formerly Invitae), Labcorp
Classification: Pathogenic for Argininosuccinate lyase deficiency. Last evaluated: 2017-07-22. Review status: criteria provided, single submitter. Criteria: Invitae Variant Classification Sherloc (09022015). Collection method: clinical testing. Allele origin: germline.
Comment: For these reasons, this variant has been classified as Pathogenic. Loss-of-function variants in ASL are known to be pathogenic (PMID: 2263616, 24166829). This variant has not been reported in the literature in individuals with ASL-related disease. This variant is not present in population databases (ExAC no frequency). This sequence change creates a premature translational stop signal (p.Arg32Phefs*34) in the ASL gene. It is expected to result in an absent or disrupted protein product.

Literature cited by the submitters: PubMed 2263616; PubMed 24166829.